The following is an entry in ClinVar:

ClinVar aggregate classification (germline): Uncertain significance (1 of 4 stars; one submission).

Conditions:
Lethal multiple pterygium syndrome (LMPS). Identifiers: Orphanet 33108, MedGen C1854678, MONDO:0009668, OMIM 253290.

Allele frequency attached by ClinVar (database versions not stated): gnomAD exomes 0.00002.
gnomAD v4.1: 26 of 1,612,724 alleles (0.0016%); highest among the groups gnomAD compares: Non-Finnish European, 0.0022%; no homozygotes.

Submission:

Labcorp Genetics (formerly Invitae), Labcorp
Classification: Uncertain significance for Lethal multiple pterygium syndrome. Last evaluated: 2023-09-08. Review status: criteria provided, single submitter. Criteria: Invitae Variant Classification Sherloc (09022015). Collection method: clinical testing. Allele origin: germline.
Comment: This variant is not present in population databases (gnomAD no frequency). This variant has not been reported in the literature in individuals affected with CHRND-related conditions. Advanced modeling of protein sequence and biophysical properties (such as structural, functional, and spatial information, amino acid conservation, physicochemical variation, residue mobility, and thermodynamic stability) performed at Invitae indicates that this missense variant is not expected to disrupt CHRND protein function. In summary, the available evidence is currently insufficient to determine the role of this variant in disease. Therefore, it has been classified as a Variant of Uncertain Significance. This sequence change replaces leucine, which is neutral and non-polar, with arginine, which is basic and polar, at codon 14 of the CHRND protein (p.Leu14Arg).

NM_000751.3(CHRND):c.41T>G (p.Leu14Arg)

Gene: CHRND (cholinergic receptor nicotinic delta subunit; plus strand). Cytogenetic location: 2q37.1.
Variant type: single nucleotide variant.
Coding change: c.41T>G on transcript NM_000751.3 (MANE Select); coding-DNA position 41, T replaced by G.
Protein change: p.Leu14Arg; replaces leucine 14 with arginine.
Molecular consequence: missense variant. On other transcripts: 5 prime UTR variant (2).
Genome position (GRCh38, 1-based): chr2:232,526,256, T>G. VCF-style: chr2-232526256-T-G. GRCh37 (hg19) VCF-style: chr2-233390966-T-G.
Other names: c.41T>G, p.Leu14Arg (NM_001256657.2); c.-231T>G (NM_001311195.2, NM_001311196.2); short protein forms L14R.
Identifiers: ClinVar variation 2895475 (VCV002895475.3), dbSNP rs1574627111, ClinGen allele CA350995732.